The following is an entry in ClinVar:

ClinVar aggregate classification (germline): Uncertain significance. Review status: criteria provided, multiple submitters, no conflicts (2 of 4 stars). 4 submissions from 4 submitters: Uncertain significance (4). Last evaluated 2025-07-10.

Conditions:
Hereditary cancer-predisposing syndrome. Also called: Neoplastic Syndromes, Hereditary; Tumor predisposition; Hereditary Cancer Syndrome; Hereditary neoplastic syndrome. Identifiers: Orphanet 140162, MedGen C0027672, MeSH D009386, MONDO:0015356.
Retinoblastoma (RB1). Also called: RETINOBLASTOMA, SOMATIC. Identifiers: Orphanet 790, MedGen C0035335, MeSH D012175, MONDO:0008380, OMIM 180200, HP:0009919. Disease mechanism: loss of function. Inheritance: Both sporadic and heritable forms are tested..

Allele frequency attached by ClinVar (database versions not stated): gnomAD exomes below 0.00001 and 0.00001.
gnomAD v4.1: 11 of 1,592,022 alleles (0.00069%); highest among the groups gnomAD compares: Non-Finnish European, 0.00095%; no homozygotes.

Submissions (4):

Labcorp Genetics (formerly Invitae), Labcorp
Classification: Uncertain significance for Retinoblastoma. Last evaluated: 2025-07-10. Review status: criteria provided, single submitter. Criteria: Invitae Variant Classification Sherloc (09022015). Collection method: clinical testing. Allele origin: germline.
Comment: This sequence change replaces proline, which is neutral and non-polar, with serine, which is neutral and polar, at codon 177 of the RB1 protein (p.Pro177Ser). This variant is present in population databases (no rsID available, gnomAD 0.0009%). This variant has not been reported in the literature in individuals affected with RB1-related conditions. ClinVar contains an entry for this variant (Variation ID: 458170). Invitae Evidence Modeling of protein sequence and biophysical properties (such as structural, functional, and spatial information, amino acid conservation, physicochemical variation, residue mobility, and thermodynamic stability) indicates that this missense variant is not expected to disrupt RB1 protein function with a negative predictive value of 80%. In summary, the available evidence is currently insufficient to determine the role of this variant in disease. Therefore, it has been classified as a Variant of Uncertain Significance.

Ambry Genetics
Classification: Uncertain significance for Hereditary cancer-predisposing syndrome. Last evaluated: 2025-02-14. Review status: criteria provided, single submitter. Criteria: Ambry Variant Classification Scheme 2023. Collection method: clinical testing. Allele origin: germline.
Comment: The p.P177S variant (also known as c.529C>T), located in coding exon 5 of the RB1 gene, results from a C to T substitution at nucleotide position 529. The proline at codon 177 is replaced by serine, an amino acid with similar properties. This amino acid position is well conserved in available vertebrate species. In addition, this alteration is predicted to be tolerated by in silico analysis. Since supporting evidence is limited at this time, the clinical significance of this alteration remains unclear.

All of Us Research Program, National Institutes of Health
Classification: Uncertain significance for Retinoblastoma. Last evaluated: 2024-01-11. Review status: criteria provided, single submitter. Criteria: ACMG Guidelines, 2015. Collection method: clinical testing. Allele origin: germline. Inheritance: Autosomal dominant inheritance. Observed: 3 variant alleles, 3 heterozygotes.
Comment: This study involves interpretation of variants in research participants for the purpose of population health screening. Participant phenotype was not available at the time of variant classification. Additional details can be found in publication PMID: 35346344, PMCID: PMC8962531

GeneDx
Classification: Uncertain significance. Last evaluated: 2024-01-03. Review status: criteria provided, single submitter. Criteria: GeneDx Variant Classification Process June 2021. Collection method: clinical testing. Allele origin: germline. Affected: yes.
Comment: Not observed at significant frequency in large population cohorts (gnomAD); In silico analysis supports that this missense variant does not alter protein structure/function; Has not been previously published as pathogenic or benign to our knowledge; This variant is associated with the following publications: (PMID: 23516486)

NM_000321.3(RB1):c.529C>T (p.Pro177Ser)

Gene: RB1 (RB transcriptional corepressor 1; plus strand). Cytogenetic location: 13q14.2.
Variant type: single nucleotide variant.
Coding change: c.529C>T on transcript NM_000321.3 (MANE Select); coding-DNA position 529, C replaced by T.
Protein change: p.Pro177Ser; replaces proline 177 with serine.
Molecular consequence: missense variant.
Genome position (GRCh38, 1-based): chr13:48,347,853, C>T. VCF-style: chr13-48347853-C-T. GRCh37 (hg19) VCF-style: chr13-48921989-C-T.
Other names: short protein forms P177S.
Identifiers: ClinVar variation 458170 (VCV000458170.15), dbSNP rs1357310270, ClinGen allele CA388156840.